The following is an entry in ClinVar:

ClinVar aggregate classification (germline): Conflicting classifications of pathogenicity. Review status: criteria provided, conflicting classifications (1 of 4 stars). 4 submissions from 4 submitters: Likely pathogenic (3); Uncertain significance (1). Last evaluated 2025-11-04.

Conditions:
Hematuria, benign familial, 2 (BFH2). Identifiers: MedGen C5830421, MONDO:0958186, OMIM 620320.
Alport syndrome 3b, autosomal recessive. Identifiers: MedGen C5882699, MONDO:0957811, OMIM 620536.
Autosomal dominant Alport syndrome (ATS3A). Also called: Alport syndrome dominant type; Renal failure and sensorineural hearing loss; ALPORT SYNDROME 3A, AUTOSOMAL DOMINANT. Identifiers: Orphanet 63, Orphanet 88918, MedGen C5882663, MONDO:0007086, OMIM 104200.
Alport syndrome. Also called: Hemorrhagic familial nephritis; Hemorrhagic hereditary nephritis; Congenital hereditary hematuria. Identifiers: Orphanet 63, MedGen C1567741, MONDO:0018965.

gnomAD v4.1: 14 of 1,613,830 alleles (0.00087%); highest among the groups gnomAD compares: East Asian, 0.025%; no homozygotes.

Submissions (4):

Natera, Inc.
Classification: Likely pathogenic for Alport syndrome. Last evaluated: 2025-11-04. Review status: criteria provided, single submitter. Criteria: Natera Variant Classification Schema (03/2026). Collection method: clinical testing. Allele origin: germline.
Comment: The c.3856G>A variant in COL4A3 is a missense variant predicted to cause substitution of glycine to arginine at amino acid 1286. This variant is rare in the general population with a frequency below the threshold expected for the associated phenotype(s). This variant is located in a functionally critical region of the protein. Computational prediction algorithms indicate this variant is likely to affect gene or protein function. Given the available evidence, this variant is classified as Likely Pathogenic.

Labcorp Genetics (formerly Invitae), Labcorp
Classification: Uncertain significance. Last evaluated: 2025-03-02. Review status: criteria provided, single submitter. Criteria: Invitae Variant Classification Sherloc (09022015). Collection method: clinical testing. Allele origin: germline.
Comment: This sequence change replaces glycine, which is neutral and non-polar, with arginine, which is basic and polar, at codon 1286 of the COL4A3 protein (p.Gly1286Arg). This variant is present in population databases (rs759251186, gnomAD 0.1%). This variant has not been reported in the literature in individuals affected with COL4A3-related conditions. ClinVar contains an entry for this variant (Variation ID: 3586128). Invitae Evidence Modeling of protein sequence and biophysical properties (such as structural, functional, and spatial information, amino acid conservation, physicochemical variation, residue mobility, and thermodynamic stability) indicates that this missense variant is expected to disrupt COL4A3 protein function with a positive predictive value of 80%. In summary, the available evidence is currently insufficient to determine the role of this variant in disease. Therefore, it has been classified as a Variant of Uncertain Significance.

Fulgent Genetics
Classification: Likely pathogenic for Autosomal dominant Alport syndrome; Hematuria, benign familial, 2; Alport syndrome 3b, autosomal recessive. Last evaluated: 2024-06-19. Review status: criteria provided, single submitter. Criteria: ACMG Guidelines, 2015. Collection method: clinical testing. Allele origin: germline.

Juno Genomics, Hangzhou Juno Genomics, Inc
Classification: Likely pathogenic for Autosomal dominant Alport syndrome. Review status: criteria provided, single submitter. Criteria: ACMG Guidelines, 2015. Collection method: clinical testing. Allele origin: germline.
Comment: Absent from controls (or at extremely low frequency if recessive) in Genome Aggregation Database.;Multiple lines of computational evidence support a deleterious effect on the gene or gene product.;The prevalence of the variant in affected individuals is significantly increased compared to the prevalence in controls.

NM_000091.5(COL4A3):c.3856G>A (p.Gly1286Arg)

Genes: COL4A3 (collagen type IV alpha 3 chain; plus strand), MFF-DT (MFF divergent transcript; minus strand). Cytogenetic location: 2q36.3.
Variant type: single nucleotide variant.
Coding change: c.3856G>A on transcript NM_000091.5 (MANE Select); coding-DNA position 3856, G replaced by A.
Protein change: p.Gly1286Arg; replaces glycine 1286 with arginine.
Molecular consequence: missense variant.
Genome position (GRCh38, 1-based): chr2:227,298,786, G>A. VCF-style: chr2-227298786-G-A. GRCh37 (hg19) VCF-style: chr2-228163502-G-A.
Other names: short protein forms G1286R.
Identifiers: ClinVar variation 3586128 (VCV003586128.5).